The following is an entry in ClinVar:

NM_020949.3(SLC7A14):c.1708C>T (p.Leu570Phe)

Genes: SLC7A14 (solute carrier family 7 member 14; minus strand), SLC7A14-AS1 (SLC7A14 antisense RNA 1; plus strand). Cytogenetic location: 3q26.2.
Variant type: single nucleotide variant.
Coding change: c.1708C>T on transcript NM_020949.3 (MANE Select); coding-DNA position 1708, C replaced by T.
Protein change: p.Leu570Phe; replaces leucine 570 with phenylalanine.
Molecular consequence: missense variant.
Genome position (GRCh38, 1-based): chr3:170,480,574, G>A on the plus strand (C>T on the coding strand, the complement: SLC7A14 is on the minus strand). VCF-style: chr3-170480574-G-A. GRCh37 (hg19) VCF-style: chr3-170198363-G-A.
Other names: short protein forms L570F.
Identifiers: ClinVar variation 845844 (VCV000845844.33), dbSNP rs143722002, ClinGen allele CA2701578.

ClinVar aggregate classification (germline): Uncertain significance. Review status: criteria provided, multiple submitters, no conflicts (2 of 4 stars). 4 submissions from 4 submitters: Uncertain significance (4). Last evaluated 2025-11-24.

Allele frequency attached by ClinVar (database versions not stated): ExAC 0.00007; gnomAD 0.00007 and 0.00008; TOPMed 0.00007; gnomAD exomes 0.00008 and 0.00011; ESP Exome Variant Server 0.00015.
gnomAD v4.1: 170 of 1,614,126 alleles (0.011%); highest among the groups gnomAD compares: Non-Finnish European, 0.014%; no homozygotes.

Submissions (4):

Labcorp Genetics (formerly Invitae), Labcorp
Classification: Uncertain significance. Last evaluated: 2025-11-24. Review status: criteria provided, single submitter. Criteria: Invitae Variant Classification Sherloc (09022015). Collection method: clinical testing. Allele origin: germline.
Comment: This sequence change replaces leucine, which is neutral and non-polar, with phenylalanine, which is neutral and non-polar, at codon 570 of the SLC7A14 protein (p.Leu570Phe). The frequency data for this variant in the population databases is considered unreliable, as metrics indicate poor data quality at this position in the gnomAD database. This variant has not been reported in the literature in individuals affected with SLC7A14-related conditions. ClinVar contains an entry for this variant (Variation ID: 845844). An algorithm developed to predict the effect of missense changes on protein structure and function (PolyPhen-2) suggests that this variant is likely to be tolerated. In summary, the available evidence is currently insufficient to determine the role of this variant in disease. Therefore, it has been classified as a Variant of Uncertain Significance.

Ambry Genetics
Classification: Uncertain significance. Last evaluated: 2025-07-14. Review status: criteria provided, single submitter. Criteria: Ambry Variant Classification Scheme 2023. Collection method: clinical testing. Allele origin: germline.

Blueprint Genetics
Classification: Uncertain significance. Last evaluated: 2024-04-29. Review status: criteria provided, single submitter. Criteria: ACMG Guidelines, 2015. Collection method: clinical testing. Allele origin: germline.

CeGaT Center for Human Genetics Tuebingen
Classification: Uncertain significance. Last evaluated: 2024-01-01. Review status: criteria provided, single submitter. Criteria: CeGaT Center For Human Genetics Tuebingen Variant Classification Criteria Version 2. Collection method: clinical testing. Allele origin: germline. Affected: yes. Observed: 1 variant allele.
Comment: SLC7A14: PM2